The following is an entry in ClinVar:

NM_000093.5(COL5A1):c.1060G>A (p.Asp354Asn)

Gene: COL5A1 (collagen type V alpha 1 chain; plus strand). Cytogenetic location: 9q34.3.
Variant type: single nucleotide variant.
Coding change: c.1060G>A on transcript NM_000093.5 (MANE Select); coding-DNA position 1060, G replaced by A.
Protein change: p.Asp354Asn; replaces aspartic acid 354 with asparagine.
Molecular consequence: missense variant.
Genome position (GRCh38, 1-based): chr9:134,730,371, G>A. VCF-style: chr9-134730371-G-A. GRCh37 (hg19) VCF-style: chr9-137622217-G-A.
Other names: c.1060G>A, p.Asp354Asn (NM_001278074.1); short protein forms D354N.
Identifiers: ClinVar variation 979131 (VCV000979131.4), dbSNP rs1834835178, ClinGen allele CA375449770.
Genomic context (GRCh38, chr9:134,730,371, plus strand): 5'-GGCATCGGGGACTATGACTACGTGCCCAGTGAGGACTACTACACGCCCTCACCGTATGAT[G>A]ACCTCACCTATGGCGAGGGGGAGGAGAACCCCGACCAGCCCACAGACCCAGGCGCTGGGG-3'
Protein context (NP_000084.3, residues 344-364): EDYYTPSPYD[Asp354Asn]LTYGEGEENP

ClinVar aggregate classification (germline): Uncertain significance. Review status: criteria provided, multiple submitters, no conflicts (2 of 4 stars). 2 submissions from 2 submitters: Uncertain significance (2). Last evaluated 2023-02-24.

Conditions:
Ehlers-Danlos syndrome, classic type, 1 (EDSCL1). Also called: EHLERS-DANLOS SYNDROME, GRAVIS TYPE; EHLERS-DANLOS SYNDROME, SEVERE CLASSIC TYPE; EDS I; Ehlers-Danlos Syndrome, Classic Type, COL5A1-Related; Ehlers-Danlos syndrome, type 1. Identifiers: MedGen C0268335, MONDO:0019567, OMIM 130000.

Allele frequency attached by ClinVar (database versions not stated): gnomAD exomes 0.00001.

Submissions (2):

Labcorp Genetics (formerly Invitae), Labcorp
Classification: Uncertain significance for Ehlers-Danlos syndrome, classic type, 1. Last evaluated: 2023-02-24. Review status: criteria provided, single submitter. Criteria: Invitae Variant Classification Sherloc (09022015). Collection method: clinical testing. Allele origin: germline.
Comment: In summary, the available evidence is currently insufficient to determine the role of this variant in disease. Therefore, it has been classified as a Variant of Uncertain Significance. Advanced modeling of protein sequence and biophysical properties (such as structural, functional, and spatial information, amino acid conservation, physicochemical variation, residue mobility, and thermodynamic stability) performed at Invitae indicates that this missense variant is not expected to disrupt COL5A1 protein function. ClinVar contains an entry for this variant (Variation ID: 979131). This variant has not been reported in the literature in individuals affected with COL5A1-related conditions. This variant is not present in population databases (gnomAD no frequency). This sequence change replaces aspartic acid, which is acidic and polar, with asparagine, which is neutral and polar, at codon 354 of the COL5A1 protein (p.Asp354Asn).

Human Genome Sequencing Center Clinical Lab, Baylor College of Medicine
Classification: Uncertain significance for Ehlers-Danlos syndrome, classic type I. Review status: criteria provided, single submitter. Criteria: ACMG Guidelines, 2015. Collection method: clinical testing. Allele origin: germline.